The following is an entry in ClinVar:

NM_000540.3(RYR1):c.992_994dup (p.Glu331_Gly332insGlu)

Gene: RYR1 (ryanodine receptor 1; plus strand). Cytogenetic location: 19q13.2.
Variant type: Duplication.
Coding change: c.992_994dup on transcript NM_000540.3 (MANE Select); coding-DNA positions 992 to 994, 3 bases duplicated (AGG; older notation c.992_994dupAGG).
Protein change: p.Glu331_Gly332insGlu.
Molecular consequence: inframe insertion.
Genome position (GRCh38, 1-based): chr19:38,448,683-38,448,685, AGG duplicated; duplicating any 3 consecutive bases within chr19:38,448,681-38,448,685 gives the same sequence; the c. name uses the placement nearest the transcript's 3' end. VCF-style (leftmost placement, unchanged base first): chr19-38448680-T-TGGA. GRCh37 (hg19) VCF-style: chr19-38939320-T-TGGA.
Other names: NM_001042723.2:c.992_994dup; p.Glu331dup; c.992_994dup, p.Glu331_Gly332insGlu (NM_001042723.2).
Identifiers: ClinVar variation 4813083 (VCV004813083.1).

ClinVar aggregate classification (germline): Uncertain significance (3 of 4 stars; one submission).

Conditions:
Malignant hyperthermia of anesthesia. Also called: Anesthesic-triggered malignant hyperthermia. Identifiers: Orphanet 423, MedGen C0024591, MONDO:0018493, HP:0034733.

Submission:

ClinGen Malignant Hyperthermia Susceptibility Variant Curation Expert Panel, ClinGen
Classification: Uncertain significance for Malignant hyperthermia of anesthesia. Last evaluated: 2026-03-05. Review status: reviewed by expert panel. Criteria: ClinGen MHS ACMG Specifications V2. Collection method: curation. Allele origin: germline. Inheritance: Autosomal dominant inheritance.
Comment: This pathogenicity assessment is relevant only for malignant hyperthermia susceptibility (MHS) inherited in an autosomal dominant pattern. Variants in RYR1 can also cause other myopathies inherited in an autosomal dominant pattern or in an autosomal recessive pattern. Some of these disorders may predispose individuals to malignant hyperthermia. RYR1 variants may also contribute to a malignant hyperthermia reaction in combination with other genetic and non-genetic factors and the clinician needs to consider such factors in making management decisions. This sequence variant predicts a duplication of codon 331 of the RYR1 protein, p.(Glu331dup). This variant was not present in a large population database (gnomAD) at the time this variant was interpreted. This variant has been reported in an individual with a personal or family history of an MH episode and a positive in vitro contracture test (IVCT) or caffeine halothane contracture test (CHCT) result (if the proband was unavailable for testing, a positive diagnostic test result in a mutation-positive relative was counted), PS4_Supporting (PMID:30236257). No functional studies were identified for this variant. This variant has been classified as a Variant of Unknown Significance. Criteria implemented: PS4_supporting.